The following is an entry in ClinVar:

NM_015915.5(ATL1):c.1673T>C (p.Met558Thr)

Gene: ATL1 (atlastin GTPase 1; plus strand). Cytogenetic location: 14q22.1.
Variant type: single nucleotide variant.
Coding change: c.1673T>C on transcript NM_015915.5 (MANE Select); coding-DNA position 1673, T replaced by C.
Protein change: p.Met558Thr; replaces methionine 558 with threonine.
Molecular consequence: missense variant.
Genome position (GRCh38, 1-based): chr14:50,632,335, T>C. VCF-style: chr14-50632335-T-C. GRCh37 (hg19) VCF-style: chr14-51099053-T-C.
Other names: c.1658T>C, p.Met553Thr (NM_001127713.1, NM_181598.4); short protein forms M553T, M558T.
Identifiers: ClinVar variation 864534 (VCV000864534.9), dbSNP rs1351389277, ClinGen allele CA389679112.

ClinVar aggregate classification (germline): Uncertain significance (1 of 4 stars; one submission).

Conditions:
Hereditary spastic paraplegia 3A (SPG3A). Also called: Spastic paraplegia 3A, autosomal dominant; SPASTIC PARAPLEGIA 3, AUTOSOMAL DOMINANT; FAMILIAL SPASTIC PARAPLEGIA, AUTOSOMAL DOMINANT, 1; SPG3; STRUMPELL DISEASE; Spastic Paraplegia 3A. Identifiers: Orphanet 100984, MedGen C2931355, MONDO:0008437, OMIM 182600.

Allele frequency attached by ClinVar (database versions not stated): TOPMed 0.00001.
gnomAD v4.1: 3 of 1,600,596 alleles (0.00019%); highest among the groups gnomAD compares: African/African-American, 0.0027%; no homozygotes.

Submission:

Labcorp Genetics (formerly Invitae), Labcorp
Classification: Uncertain significance for Hereditary spastic paraplegia 3A. Last evaluated: 2022-02-27. Review status: criteria provided, single submitter. Criteria: Invitae Variant Classification Sherloc (09022015). Collection method: clinical testing. Allele origin: germline.
Comment: In summary, the available evidence is currently insufficient to determine the role of this variant in disease. Therefore, it has been classified as a Variant of Uncertain Significance. Advanced modeling of protein sequence and biophysical properties (such as structural, functional, and spatial information, amino acid conservation, physicochemical variation, residue mobility, and thermodynamic stability) performed at Invitae indicates that this missense variant is not expected to disrupt ATL1 protein function. ClinVar contains an entry for this variant (Variation ID: 864534). This missense change has been observed in individual(s) with clinical features of ATL1-related conditions (Invitae). This variant is not present in population databases (gnomAD no frequency). This sequence change replaces methionine, which is neutral and non-polar, with threonine, which is neutral and polar, at codon 558 of the ATL1 protein (p.Met558Thr).